The following is an entry in ClinVar:

NM_000377.3(WAS):c.107_109delinsC (p.Phe36fs)

Gene: WAS (WASP actin nucleation promoting factor; plus strand). Cytogenetic location: Xp11.23.
Variant type: Indel.
Coding change: c.107_109delinsC on transcript NM_000377.3 (MANE Select); coding-DNA positions 107 to 109, TTG replaced by C.
Protein change: p.Phe36fs; shifts the reading frame from phenylalanine 36.
Molecular consequence: frameshift variant.
Genome position (GRCh38, 1-based): chrX:48,683,960-48,683,962, TTG replaced by C. VCF-style: chrX-48683960-TTG-C. GRCh37 (hg19) VCF-style: chrX-48542349-TTG-C.
Other names: short protein forms F36fs.
Identifiers: ClinVar variation 4071514 (VCV004071514.1).

ClinVar aggregate classification (germline): Likely pathogenic (1 of 4 stars; one submission).

Conditions:
Wiskott-Aldrich syndrome (WAS). Also called: Wiskott-aldrich syndrome, somatic; ALDRICH SYNDROME; IMMUNODEFICIENCY 2; WISKOTT-ALDRICH SYNDROME 1. Identifiers: Orphanet 906, MedGen C0043194, MONDO:0010518, OMIM 301000.

Submission:

Next Generation Genetic Polyclinic
Classification: Likely pathogenic for Wiskott-Aldrich syndrome. Last evaluated: 2025-03-13. Review status: criteria provided, single submitter. Criteria: ACMG Guidelines, 2015. Collection method: curation. Allele origin: germline. Affected: yes. Observed: 1 variant allele.
Comment: Frameshift variant in WAS gene (c.107_109delinsC; p.Phe36LeufsTer?), located in exon 1 and expected to result in a premature stop codon. This is likely to cause loss of function (PVS1), the known disease mechanism in Wiskott-Aldrich syndrome. The variant is absent from population databases (PM2) and has not been reported previously (novel). Classified as Likely Pathogenic. Meets ACMG criteria: PVS1, PM2.